The following is an entry in ClinVar:

NM_139242.4(MTFMT):c.358G>A (p.Val120Ile)

Gene: MTFMT (mitochondrial methionyl-tRNA formyltransferase; minus strand). Cytogenetic location: 15q22.31.
Variant type: single nucleotide variant.
Coding change: c.358G>A on transcript NM_139242.4 (MANE Select); coding-DNA position 358, G replaced by A.
Protein change: p.Val120Ile; replaces valine 120 with isoleucine.
Molecular consequence: missense variant.
Genome position (GRCh38, 1-based): chr15:65,026,892, C>T on the plus strand (G>A on the coding strand, the complement: MTFMT is on the minus strand). VCF-style: chr15-65026892-C-T. GRCh37 (hg19) VCF-style: chr15-65319230-C-T.
Other names: short protein forms V120I.
Identifiers: ClinVar variation 1909620 (VCV001909620.5), dbSNP rs765777425, ClinGen allele CA7613386.
Genomic context (GRCh38, chr15:65,026,892, plus strand): 5'-AGGGAAATTTAAGAATAAGAGCCTCATTCAAAAGTCGGCCAAACGAAGCCACTACTCCAA[C>T]ATCATATTCTCCAGATCCCACATCCGGCCACTCATATACGGGAAGCTGAGACTGCACAGC-3'
Protein context (NP_640335.2, residues 110-130): WPDVGSGEYD[Val120Ile]GVVASFGRLL

ClinVar aggregate classification (germline): Uncertain significance (1 of 4 stars; one submission).

Allele frequency attached by ClinVar (database versions not stated): ExAC 0.00001; gnomAD 0.00001; TOPMed 0.00001.
gnomAD v4.1: 27 of 1,613,886 alleles (0.0017%); highest among the groups gnomAD compares: Non-Finnish European, 0.0023%; no homozygotes.

Submission:

Labcorp Genetics (formerly Invitae), Labcorp
Classification: Uncertain significance. Last evaluated: 2025-03-14. Review status: criteria provided, single submitter. Criteria: Invitae Variant Classification Sherloc (09022015). Collection method: clinical testing. Allele origin: germline.
Comment: This sequence change replaces valine, which is neutral and non-polar, with isoleucine, which is neutral and non-polar, at codon 120 of the MTFMT protein (p.Val120Ile). This variant is present in population databases (rs765777425, gnomAD 0.003%). This variant has not been reported in the literature in individuals affected with MTFMT-related conditions. ClinVar contains an entry for this variant (Variation ID: 1909620). Invitae Evidence Modeling of protein sequence and biophysical properties (such as structural, functional, and spatial information, amino acid conservation, physicochemical variation, residue mobility, and thermodynamic stability) indicates that this missense variant is not expected to disrupt MTFMT protein function with a negative predictive value of 95%. In summary, the available evidence is currently insufficient to determine the role of this variant in disease. Therefore, it has been classified as a Variant of Uncertain Significance.